The following is an entry in ClinVar:

NM_001330078.2(NRXN1):c.832G>T (p.Gly278Ter)

Gene: NRXN1 (neurexin 1; minus strand). Cytogenetic location: 2p16.3.
Variant type: single nucleotide variant.
Coding change: c.832G>T on transcript NM_001330078.2 (MANE Select); coding-DNA position 832, G replaced by T.
Protein change: p.Gly278Ter; replaces glycine 278 with a stop codon.
Molecular consequence: nonsense. On other transcripts: missense variant (2), intron variant (6).
Genome position (GRCh38, 1-based): chr2:50,921,869, C>A on the plus strand (G>T on the coding strand, the complement: NRXN1 is on the minus strand). VCF-style: chr2-50921869-C-A. GRCh37 (hg19) VCF-style: chr2-51149007-C-A.
Other names: c.931G>T, p.Gly311Ter (NM_001135659.3); c.832G>T, p.Gly278Ter (NM_001330077.2, NM_001330082.2, NM_001330085.2 and 3 more transcripts); c.829G>T, p.Asp277Tyr (NM_001330079.2); c.832G>T, p.Asp278Tyr (NM_001330081.2); c.832G>T, p.Glu278Ter (NM_001330090.2); c.829G>T, p.Gly277Ter (NM_001330093.2); c.772+105633G>T (NM_001330096.2, NM_001330087.2, NM_001330083.2 and 1 more transcripts); c.802+789G>T (NM_001330088.2); and 1 more; short protein forms G277*, D277Y, E278*, G311*, D278Y, G278*.
Identifiers: ClinVar variation 3694996 (VCV003694996.4).

ClinVar aggregate classification (germline): Pathogenic/Likely pathogenic. Review status: criteria provided, multiple submitters, no conflicts (2 of 4 stars). 2 submissions from 2 submitters: Pathogenic (1); Likely pathogenic (1). Last evaluated 2024-07-20.

Conditions:
Pitt-Hopkins-like syndrome 2 (PTHSL2). Identifiers: Orphanet 221150, Orphanet 600663, MedGen C3280479, MONDO:0013690, OMIM 614325.
Schizophrenia 17 (SCZD17). Also called: SCHIZOPHRENIA SUSCEPTIBILITY LOCUS, CHROMOSOME 2p16-RELATED. Identifiers: MedGen C3280524, MONDO:0800358, OMIM 621407.

gnomAD v4.1: 2 of 1,381,864 alleles (0.00014%); highest among the groups gnomAD compares: Non-Finnish European, 0.00019%; no homozygotes.

Submissions (2):

Labcorp Genetics (formerly Invitae), Labcorp
Classification: Pathogenic for Pitt-Hopkins-like syndrome 2. Last evaluated: 2024-07-20. Review status: criteria provided, single submitter. Criteria: Invitae Variant Classification Sherloc (09022015). Collection method: clinical testing. Allele origin: germline.
Comment: This sequence change creates a premature translational stop signal (p.Gly311*) in the NRXN1 gene. It is expected to result in an absent or disrupted protein product. Loss-of-function variants in NRXN1 are known to be pathogenic (PMID: 19896112, 21964664, 23495017, 23533028, 25149956, 30031152). This variant is not present in population databases (gnomAD no frequency). This variant has not been reported in the literature in individuals affected with NRXN1-related conditions. Algorithms developed to predict the effect of sequence changes on RNA splicing suggest that this variant may disrupt the consensus splice site. For these reasons, this variant has been classified as Pathogenic.

Juno Genomics, Hangzhou Juno Genomics, Inc
Classification: Likely pathogenic for Pitt-Hopkins-like syndrome 2; Schizophrenia 17. Review status: criteria provided, single submitter. Criteria: ACMG Guidelines, 2015. Collection method: clinical testing. Allele origin: germline.
Comment: Null variant in a gene where loss of function (LOF) is a known mechanism of disease.;Absent from controls (or at extremely low frequency if recessive) in Genome Aggregation Database.

Literature cited by the submitters: PubMed 19896112 (cited by Labcorp Genetics (formerly Invitae), Labcorp); PubMed 21964664 (cited by Labcorp Genetics (formerly Invitae), Labcorp); PubMed 23495017 (cited by Labcorp Genetics (formerly Invitae), Labcorp); PubMed 23533028 (cited by Labcorp Genetics (formerly Invitae), Labcorp); PubMed 25149956 (cited by Labcorp Genetics (formerly Invitae), Labcorp); PubMed 30031152 (cited by Labcorp Genetics (formerly Invitae), Labcorp).